The following is an entry in ClinVar:

NM_000465.4(BARD1):c.1351G>A (p.Gly451Arg)

Gene: BARD1 (BRCA1 associated RING domain 1; minus strand). Cytogenetic location: 2q35.
Variant type: single nucleotide variant.
Coding change: c.1351G>A on transcript NM_000465.4 (MANE Select); coding-DNA position 1351, G replaced by A.
Protein change: p.Gly451Arg; replaces glycine 451 with arginine.
Molecular consequence: missense variant. On other transcripts: non-coding transcript variant (3), intron variant (3).
Genome position (GRCh38, 1-based): chr2:214,769,276, C>T on the plus strand (G>A on the coding strand, the complement: BARD1 is on the minus strand). VCF-style: chr2-214769276-C-T. GRCh37 (hg19) VCF-style: chr2-215634000-C-T.
Other names: c.1294G>A, p.Gly432Arg (NM_001282543.2); c.159-16721G>A (NM_001282548.2); c.216-16721G>A (NM_001282545.2); c.364+23021G>A (NM_001282549.2); short protein forms G432R, G451R.
Identifiers: ClinVar variation 3820550 (VCV003820550.1).

ClinVar aggregate classification (germline): Uncertain significance (1 of 4 stars; one submission).

Conditions:
Hereditary cancer-predisposing syndrome. Also called: Hereditary neoplastic syndrome; Neoplastic Syndromes, Hereditary; Tumor predisposition; Hereditary Cancer Syndrome. Identifiers: Orphanet 140162, MedGen C0027672, MeSH D009386, MONDO:0015356.

gnomAD v4.1: 3 of 1,613,626 alleles (0.00019%); highest among the groups gnomAD compares: Non-Finnish European, 0.00025%; no homozygotes.

Submission:

Ambry Genetics
Classification: Uncertain significance for Hereditary cancer-predisposing syndrome. Last evaluated: 2025-02-17. Review status: criteria provided, single submitter. Criteria: Ambry Variant Classification Scheme 2023. Collection method: clinical testing. Allele origin: germline.
Comment: The p.G451R variant (also known as c.1351G>A), located in coding exon 5 of the BARD1 gene, results from a G to A substitution at nucleotide position 1351. The glycine at codon 451 is replaced by arginine, an amino acid with dissimilar properties. This amino acid position is highly conserved in available vertebrate species. In addition, this alteration is predicted to be deleterious by in silico analysis. Based on the available evidence, the clinical significance of this variant remains unclear.